The following is an entry in ClinVar:

ClinVar aggregate classification (germline): Uncertain significance (1 of 4 stars; one submission).

Conditions:
MHC class I deficiency. Identifiers: Orphanet 34592, MedGen C6024714, MONDO:0011476.

Submission:

Labcorp Genetics (formerly Invitae), Labcorp
Classification: Uncertain significance for MHC class I deficiency 1. Last evaluated: 2024-07-23. Review status: criteria provided, single submitter. Criteria: Invitae Variant Classification Sherloc (09022015). Collection method: clinical testing. Allele origin: germline.
Comment: This variant, c.538_540dup, results in the insertion of 1 amino acid(s) of the TAPBP protein (p.Leu180dup), but otherwise preserves the integrity of the reading frame. This variant is not present in population databases (gnomAD no frequency). This variant has not been reported in the literature in individuals affected with TAPBP-related conditions. In summary, the available evidence is currently insufficient to determine the role of this variant in disease. Therefore, it has been classified as a Variant of Uncertain Significance.

NM_003190.5(TAPBP):c.538_540dup (p.Leu180_Ser181insLeu)

Gene: TAPBP (TAP binding protein; minus strand). Cytogenetic location: 6p21.32.
Variant type: Duplication.
Coding change: c.538_540dup on transcript NM_003190.5 (MANE Select); coding-DNA positions 538 to 540, 3 bases duplicated (TTG; older notation c.538_540dupTTG).
Protein change: p.Leu180_Ser181insLeu.
Molecular consequence: inframe insertion.
Genome position (GRCh38, 1-based): chr6:33,305,317-33,305,319, CAA duplicated on the plus strand (TTG on the coding strand, the reverse complement: TAPBP is on the minus strand). VCF-style (leftmost placement, unchanged base first): chr6-33305316-T-TCAA. GRCh37 (hg19) VCF-style: chr6-33273093-T-TCAA.
Other names: c.538_540dup, p.Leu180_Ser181insLeu (NM_001410875.1, NM_172208.3); c.277_279dup, p.Leu93_Ser94insLeu (NM_172209.3).
Identifiers: ClinVar variation 3611703 (VCV003611703.2).
Genomic context (GRCh38, chr6:33,305,316, plus strand): 5'-GAGGGGGACCCGGAGCCAGAGATGAGGCGGCCTCGGAGGTGGGGGGCATGTAGGCAAAGC[T>TCAA]CAAGTCCAGCAGAGCATCTTGTCCCAGTCTCACTCGAGGGGCAGGGGTGTGGGTGAGGAC-3'